The following is an entry in ClinVar:

ClinVar aggregate classification (germline): Benign/Likely benign. Review status: criteria provided, multiple submitters, no conflicts (2 of 4 stars). 5 submissions from 5 submitters: Benign (3); Likely benign (2). Last evaluated 2026-01-26.

Conditions:
SCN11A-related disorder. Also called: SCN11A-related condition.
Hereditary sensory and autonomic neuropathy type 7. Also called: HSAN VII; Neuropathy, hereditary sensory and autonomic, type VII. Identifiers: Orphanet 391397, MedGen C3809882, MONDO:0014244, OMIM 615548.
Familial episodic pain syndrome with predominantly lower limb involvement. Also called: Episodic pain syndrome, familial, 3. Identifiers: Orphanet 391384, Orphanet 391392, MedGen C3809899, MONDO:0014247, OMIM 615552.

Allele frequency attached by ClinVar (database versions not stated): gnomAD 0.00906 and 0.00966; ESP Exome Variant Server 0.00984; TOPMed 0.01053; 1000 Genomes Project 0.01218; 1000 Genomes Project 30x 0.01218; gnomAD exomes 0.00097 and 0.00257; ExAC 0.00302.
gnomAD v4.1: 2,879 of 1,614,018 alleles (0.18%); highest among the groups gnomAD compares: African/African-American, 3.3%; 43 homozygotes.

Submissions (5):

Labcorp Genetics (formerly Invitae), Labcorp
Classification: Benign for Familial episodic pain syndrome with predominantly lower limb involvement; Hereditary sensory and autonomic neuropathy type 7. Last evaluated: 2026-01-26. Review status: criteria provided, single submitter. Criteria: Invitae Variant Classification Sherloc (09022015). Collection method: clinical testing. Allele origin: germline.

PreventionGenetics, part of Exact Sciences
Classification: Benign for SCN11A-related condition. Last evaluated: 2025-01-16. Review status: criteria provided, single submitter. Criteria: ACMG Guidelines, 2015. Collection method: clinical testing. Allele origin: germline.
Comment: This variant is classified as benign based on ACMG/AMP sequence variant interpretation guidelines (Richards et al. 2015 PMID: 25741868, with internal and published modifications).

Mayo Clinic Laboratories, Mayo Clinic
Classification: Benign. Last evaluated: 2023-09-05. Review status: criteria provided, single submitter. Criteria: ACMG Guidelines, 2015. Collection method: clinical testing. Allele origin: germline. Observed: 3 variant alleles.
Comment: BA1, BS2, BP4, BP7

GeneDx
Classification: Likely benign. Last evaluated: 2020-01-07. Review status: criteria provided, single submitter. Criteria: GeneDx Variant Classification Process June 2021. Collection method: clinical testing. Allele origin: germline. Affected: yes.

Breakthrough Genomics
Classification: Likely benign. Review status: criteria provided, single submitter. Criteria: ACMG Guidelines, 2015. Collection method: not provided. Allele origin: germline. Inheritance: Autosomal dominant inheritance. Affected: yes.

NM_001349253.2(SCN11A):c.5061C>T (p.Phe1687=)

Gene: SCN11A (sodium voltage-gated channel alpha subunit 11; minus strand). Cytogenetic location: 3p22.2.
Variant type: single nucleotide variant.
Coding change: c.5061C>T on transcript NM_001349253.2 (MANE Select); coding-DNA position 5061, C replaced by T.
Protein change: p.Phe1687=; no amino-acid change (phenylalanine 1687 retained).
Molecular consequence: synonymous variant.
Genome position (GRCh38, 1-based): chr3:38,847,009, G>A on the plus strand (C>T on the coding strand, the complement: SCN11A is on the minus strand). VCF-style: chr3-38847009-G-A. GRCh37 (hg19) VCF-style: chr3-38888500-G-A.
Other names: p.Phe1687=; c.5061C>T, p.Phe1687= (NM_014139.3).
Identifiers: ClinVar variation 474741 (VCV000474741.16), dbSNP rs75856434, ClinGen allele CA2321410.
Genomic context (GRCh38, chr3:38,847,009, plus strand): 5'-CATCATTGCTTTCATACTATCTAGGCCATCAGAGCCACCGAGTACCCTAGCGGTGAAGGC[G>A]AAAAGAATATCCATGCAGTGGAGGCGATCTTCACTCACCATGGGCAAGTCCATTACTAGA-3'
Protein context (NP_001336182.1, residues 1677-1697): EDRLHCMDIL[Phe1687=]AFTARVLGGS